The following is an entry in ClinVar:

ClinVar aggregate classification (germline): Uncertain significance. Review status: criteria provided, multiple submitters, no conflicts (2 of 4 stars). 2 submissions from 2 submitters: Uncertain significance (2). Last evaluated 2022-11-02.

Conditions:
Peroxisome biogenesis disorder, complementation group K (CGK). Identifiers: MedGen C1866257, MONDO:0800365.

gnomAD v4.1: 15 of 1,613,604 alleles (0.00093%); highest among the groups gnomAD compares: Admixed American, 0.0017%; no homozygotes.

Submissions (2):

Blueprint Genetics
Classification: Uncertain significance. Last evaluated: 2022-11-02. Review status: criteria provided, single submitter. Criteria: ACMG Guidelines, 2015. Collection method: clinical testing. Allele origin: germline.

Labcorp Genetics (formerly Invitae), Labcorp
Classification: Uncertain significance for Peroxisome biogenesis disorder, complementation group K. Last evaluated: 2022-05-15. Review status: criteria provided, single submitter. Criteria: Invitae Variant Classification Sherloc (09022015). Collection method: clinical testing. Allele origin: germline.
Comment: This sequence change replaces glutamic acid, which is acidic and polar, with glutamine, which is neutral and polar, at codon 211 of the PEX14 protein (p.Glu211Gln). This variant is present in population databases (no rsID available, gnomAD 0.002%). This variant has not been reported in the literature in individuals affected with PEX14-related conditions. Algorithms developed to predict the effect of missense changes on protein structure and function are either unavailable or do not agree on the potential impact of this missense change (SIFT: "Tolerated"; PolyPhen-2: "Probably Damaging"; Align-GVGD: "Class C0"). In summary, the available evidence is currently insufficient to determine the role of this variant in disease. Therefore, it has been classified as a Variant of Uncertain Significance.

NM_004565.3(PEX14):c.631G>C (p.Glu211Gln)

Gene: PEX14 (peroxisomal biogenesis factor 14; plus strand). Cytogenetic location: 1p36.22.
Variant type: single nucleotide variant.
Coding change: c.631G>C on transcript NM_004565.3 (MANE Select); coding-DNA position 631, G replaced by C.
Protein change: p.Glu211Gln; replaces glutamic acid 211 with glutamine.
Molecular consequence: missense variant.
Genome position (GRCh38, 1-based): chr1:10,627,317, G>C. VCF-style: chr1-10627317-G-C. GRCh37 (hg19) VCF-style: chr1-10687374-G-C.
Other names: short protein forms E211Q.
Identifiers: ClinVar variation 2154265 (VCV002154265.2), dbSNP rs777737482, ClinGen allele CA338336522.
Genomic context (GRCh38, chr1:10,627,317, plus strand): 5'-GTGCTCTGCTTTCAGGCCACCACATCCACCAACTGGATCCTGGAGTCCCAGAATATCAAC[G>C]AACTCAAGTCCGAAATTAACTCCTTGAAAGGGCTTCTTTTAAATCGGTAGGAGGGAGGAA-3'
Protein context (NP_004556.1, residues 201-221): NWILESQNIN[Glu211Gln]LKSEINSLKG